The following is an entry in ClinVar:

ClinVar aggregate classification (germline): Pathogenic. Review status: criteria provided, multiple submitters, no conflicts (2 of 4 stars). 3 submissions from 3 submitters: Pathogenic (3). Last evaluated 2025-08-18.

Conditions:
Hereditary breast ovarian cancer syndrome. Also called: BRCA1- and BRCA2-Associated Hereditary Breast and Ovarian Cancer; Hereditary breast and/or ovarian cancer syndrome; Hereditary breast and ovarian cancer syndrome; Hereditary breast and ovarian cancer; Breast and ovarian cancer; Hereditary breast and ovarian cancer syndrome (HBOC). Identifiers: Orphanet 145, MedGen C0677776, MeSH D061325, MONDO:0003582. Disease mechanism: loss of function.
Hereditary cancer-predisposing syndrome. Also called: Tumor predisposition; Hereditary neoplastic syndrome; Hereditary Cancer Syndrome; Neoplastic Syndromes, Hereditary. Identifiers: Orphanet 140162, MedGen C0027672, MeSH D009386, MONDO:0015356.

gnomAD v4.1: 1 of 1,614,124 alleles (0.000062%); highest among the groups gnomAD compares: Non-Finnish European, 0.000085%; no homozygotes.

Submissions (3):

Ambry Genetics
Classification: Pathogenic for Hereditary cancer-predisposing syndrome. Last evaluated: 2025-08-18. Review status: criteria provided, single submitter. Criteria: Ambry Variant Classification Scheme 2023. Collection method: clinical testing. Allele origin: germline.
Comment: The p.E1536* pathogenic mutation (also known as c.4606G>T), located in coding exon 13 of the BRCA1 gene, results from a G to T substitution at nucleotide position 4606. This changes the amino acid from a glutamic acid to a stop codon within coding exon 13. This variant was identified amongst 1010 unrelated Indian individuals who underwent testing for an indication of breast and/or ovarian cancers (Singh J et al. Breast Cancer Res Treat, 2018 Jul;170:189-196). This variant is considered to be rare based on population cohorts in the Genome Aggregation Database (gnomAD). This alteration is expected to result in loss of function by premature protein truncation or nonsense-mediated mRNA decay. As such, this alteration is interpreted as a disease-causing mutation.

Labcorp Genetics (formerly Invitae), Labcorp
Classification: Pathogenic for Hereditary breast ovarian cancer syndrome. Last evaluated: 2025-06-27. Review status: criteria provided, single submitter. Criteria: Invitae Variant Classification Sherloc (09022015). Collection method: clinical testing. Allele origin: germline.
Comment: This sequence change creates a premature translational stop signal (p.Glu1536*) in the BRCA1 gene. It is expected to result in an absent or disrupted protein product. Loss-of-function variants in BRCA1 are known to be pathogenic (PMID: 20104584). This variant is not present in population databases (gnomAD no frequency). This premature translational stop signal has been observed in individual(s) with breast and/or ovarian cancer (PMID: 29470806). ClinVar contains an entry for this variant (Variation ID: 935901). Algorithms developed to predict the effect of sequence changes on RNA splicing suggest that this variant may disrupt the consensus splice site. For these reasons, this variant has been classified as Pathogenic.

Quest Diagnostics Nichols Institute San Juan Capistrano
Classification: Pathogenic. Last evaluated: 2024-08-02. Review status: criteria provided, single submitter. Criteria: Quest Diagnostics criteria. Collection method: clinical testing. Allele origin: unknown.
Comment: The BRCA1 c.4606G>T (p.Glu1536*) variant causes the premature termination of BRCA1 protein synthesis. This variant has been reported in the published literature in an individual with breast and/or ovarian cancer (PMID: 29470806 (2018)). This variant has not been reported in large, multi-ethnic general populations (Genome Aggregation Database). Based on the available information, this variant is classified as pathogenic.

Literature cited by the submitters: PubMed 29470806 (cited by 3 submitters); PubMed 20104584 (cited by Labcorp Genetics (formerly Invitae), Labcorp).

NM_007294.4(BRCA1):c.4606G>T (p.Glu1536Ter)

Gene: BRCA1 (BRCA1 DNA repair associated; minus strand). Cytogenetic location: 17q21.31.
Variant type: single nucleotide variant.
Coding change: c.4606G>T on transcript NM_007294.4 (MANE Select); coding-DNA position 4606, G replaced by T.
Protein change: p.Glu1536Ter; replaces glutamic acid 1536 with a stop codon.
Molecular consequence: nonsense. On other transcripts: non-coding transcript variant (1).
Genome position (GRCh38, 1-based): chr17:43,074,400, C>A on the plus strand (G>T on the coding strand, the complement: BRCA1 is on the minus strand). VCF-style: chr17-43074400-C-A. GRCh37 (hg19) VCF-style: chr17-41226417-C-A.
Other names: c.4393G>T, p.Glu1465Ter (NM_001407571.1, NM_001407894.1, NM_001407895.1 and 12 more transcripts); c.4672G>T, p.Glu1558Ter (NM_001407581.1, NM_001407582.1); c.4669G>T, p.Glu1557Ter (NM_001407583.1, NM_001407585.1, NM_001407587.1 and 1 more transcripts); c.4666G>T, p.Glu1556Ter (NM_001407590.1, NM_001407591.1); c.4606G>T, p.Glu1536Ter (NM_001407593.1, NM_001407594.1, NM_001407596.1 and 8 more transcripts); c.4603G>T, p.Glu1535Ter (NM_001407610.1, NM_001407611.1, NM_001407612.1 and 17 more transcripts); c.4600G>T, p.Glu1534Ter (NM_001407627.1, NM_001407628.1, NM_001407629.1 and 14 more transcripts); c.4597G>T, p.Glu1533Ter (NM_001407644.1, NM_001407645.1); and 68 more; short protein forms E1489*, E1536*, E1557*, E432*, E1239*, E1367*, E1425*, E1487*.
Identifiers: ClinVar variation 935901 (VCV000935901.14), dbSNP rs876660460, ClinGen allele CA10592301.